The following is an entry in ClinVar:

NM_018089.3(ANKZF1):c.757G>C (p.Gly253Arg)

Gene: ANKZF1 (ankyrin repeat and zinc finger peptidyl tRNA hydrolase 1; plus strand). Cytogenetic location: 2q35.
Variant type: single nucleotide variant.
Coding change: c.757G>C on transcript NM_018089.3 (MANE Select); coding-DNA position 757, G replaced by C.
Protein change: p.Gly253Arg; replaces glycine 253 with arginine.
Molecular consequence: missense variant.
Genome position (GRCh38, 1-based): chr2:219,233,371, G>C. VCF-style: chr2-219233371-G-C. GRCh37 (hg19) VCF-style: chr2-220098093-G-C.
Other names: c.757G>C, p.Gly253Arg (NM_001042410.2); c.127G>C, p.Gly43Arg (NM_001282792.2); short protein forms G43R, G253R.
Identifiers: ClinVar variation 4713785 (VCV004713785.1).

ClinVar aggregate classification (germline): Uncertain significance (1 of 4 stars; one submission).

gnomAD v4.1: 1 of 1,614,250 alleles (0.000062%); highest among the groups gnomAD compares: Non-Finnish European, 0.000085%; no homozygotes.

Submission:

Labcorp Genetics (formerly Invitae), Labcorp
Classification: Uncertain significance. Last evaluated: 2025-02-25. Review status: criteria provided, single submitter. Criteria: Invitae Variant Classification Sherloc (09022015). Collection method: clinical testing. Allele origin: germline.
Comment: This sequence change replaces glycine, which is neutral and non-polar, with arginine, which is basic and polar, at codon 253 of the ANKZF1 protein (p.Gly253Arg). This variant is not present in population databases (gnomAD no frequency). This variant has not been reported in the literature in individuals affected with ANKZF1-related conditions. An algorithm developed to predict the effect of missense changes on protein structure and function (PolyPhen-2) suggests that this variant is likely to be disruptive. In summary, the available evidence is currently insufficient to determine the role of this variant in disease. Therefore, it has been classified as a Variant of Uncertain Significance.